The following is an entry in ClinVar:

ClinVar aggregate classification (germline): Uncertain significance (1 of 4 stars; one submission).

Conditions:
Chédiak-Higashi syndrome (CHS). Also called: Chediak-Higashi Syndrome. Identifiers: Orphanet 167, MedGen C0007965, MONDO:0008963, OMIM 214500.

gnomAD v4.1: 3 of 1,612,862 alleles (0.00019%); highest among the groups gnomAD compares: African/African-American, 0.004%; no homozygotes.

Submission:

Labcorp Genetics (formerly Invitae), Labcorp
Classification: Uncertain significance for Chédiak-Higashi syndrome. Last evaluated: 2022-03-19. Review status: criteria provided, single submitter. Criteria: Invitae Variant Classification Sherloc (09022015). Collection method: clinical testing. Allele origin: germline.
Comment: This sequence change replaces serine, which is neutral and polar, with arginine, which is basic and polar, at codon 1516 of the LYST protein (p.Ser1516Arg). This variant is present in population databases (rs116551057, gnomAD 0.01%). This variant has not been reported in the literature in individuals affected with LYST-related conditions. ClinVar contains an entry for this variant (Variation ID: 454485). Algorithms developed to predict the effect of missense changes on protein structure and function (SIFT, PolyPhen-2, Align-GVGD) all suggest that this variant is likely to be tolerated. In summary, the available evidence is currently insufficient to determine the role of this variant in disease. Therefore, it has been classified as a Variant of Uncertain Significance.

NM_000081.4(LYST):c.4548C>A (p.Ser1516Arg)

Gene: LYST (lysosomal trafficking regulator; minus strand). Cytogenetic location: 1q42.3.
Variant type: single nucleotide variant.
Coding change: c.4548C>A on transcript NM_000081.4 (MANE Select); coding-DNA position 4548, C replaced by A.
Protein change: p.Ser1516Arg; replaces serine 1516 with arginine.
Molecular consequence: missense variant.
Genome position (GRCh38, 1-based): chr1:235,788,841, G>T on the plus strand (C>A on the coding strand, the complement: LYST is on the minus strand). VCF-style: chr1-235788841-G-T. GRCh37 (hg19) VCF-style: chr1-235952141-G-T.
Other names: c.4548C>A, p.Ser1516Arg (NM_001301365.1); short protein forms S1516R.
Identifiers: ClinVar variation 454485 (VCV000454485.6), dbSNP rs116551057, ClinGen allele CA1466807.